The following is an entry in ClinVar:

ClinVar aggregate classification (germline): Uncertain significance (1 of 4 stars; one submission).

Conditions:
Spastic paraplegia. Identifiers: MedGen C0037772, HP:0001258.

Submission:

Labcorp Genetics (formerly Invitae), Labcorp
Classification: Uncertain significance for Spastic paraplegia. Last evaluated: 2023-01-22. Review status: criteria provided, single submitter. Criteria: Invitae Variant Classification Sherloc (09022015). Collection method: clinical testing. Allele origin: germline.
Comment: Advanced modeling of protein sequence and biophysical properties (such as structural, functional, and spatial information, amino acid conservation, physicochemical variation, residue mobility, and thermodynamic stability) performed at Invitae indicates that this missense variant is not expected to disrupt SACS protein function. This variant has not been reported in the literature in individuals affected with SACS-related conditions. This variant is not present in population databases (gnomAD no frequency). This sequence change replaces leucine, which is neutral and non-polar, with phenylalanine, which is neutral and non-polar, at codon 3639 of the SACS protein (p.Leu3639Phe). In summary, the available evidence is currently insufficient to determine the role of this variant in disease. Therefore, it has been classified as a Variant of Uncertain Significance.

NM_014363.6(SACS):c.10917G>T (p.Leu3639Phe)

Gene: SACS (sacsin molecular chaperone; minus strand). Cytogenetic location: 13q12.12.
Variant type: single nucleotide variant.
Coding change: c.10917G>T on transcript NM_014363.6 (MANE Select); coding-DNA position 10917, G replaced by T.
Protein change: p.Leu3639Phe; replaces leucine 3639 with phenylalanine.
Molecular consequence: missense variant.
Genome position (GRCh38, 1-based): chr13:23,332,959, C>A on the plus strand (G>T on the coding strand, the complement: SACS is on the minus strand). VCF-style: chr13-23332959-C-A. GRCh37 (hg19) VCF-style: chr13-23907098-C-A.
Other names: c.10476G>T, p.Leu3492Phe (NM_001278055.2); short protein forms L3492F, L3639F.
Identifiers: ClinVar variation 2830923 (VCV002830923.3), dbSNP rs754197452, ClinGen allele CA387511133.